The following is an entry in ClinVar:

ClinVar aggregate classification (germline): Uncertain significance (1 of 4 stars; one submission).

Allele frequency attached by ClinVar (database versions not stated): gnomAD 0.00001.

Submission:

Labcorp Genetics (formerly Invitae), Labcorp
Classification: Uncertain significance. Last evaluated: 2021-06-18. Review status: criteria provided, single submitter. Criteria: Invitae Variant Classification Sherloc (09022015). Collection method: clinical testing. Allele origin: germline.
Comment: In summary, the available evidence is currently insufficient to determine the role of this variant in disease. Therefore, it has been classified as a Variant of Uncertain Significance. Algorithms developed to predict the effect of missense changes on protein structure and function are either unavailable or do not agree on the potential impact of this missense change (SIFT: "Deleterious"; PolyPhen-2: "Benign"; Align-GVGD: "Class C0"). This variant has not been reported in the literature in individuals with IRF2BP2-related conditions. The frequency data for this variant in the population databases is considered unreliable, as metrics indicate insufficient coverage at this position in the ExAC database. This sequence change replaces proline with serine at codon 148 of the IRF2BP2 protein (p.Pro148Ser). The proline residue is weakly conserved and there is a moderate physicochemical difference between proline and serine.

NM_182972.3(IRF2BP2):c.442C>T (p.Pro148Ser)

Genes: IRF2BP2 (interferon regulatory factor 2 binding protein 2; minus strand), LOC129932812 (ATAC-STARR-seq lymphoblastoid silent region 1977; plus strand). Cytogenetic location: 1q42.3.
Variant type: single nucleotide variant.
Coding change: c.442C>T on transcript NM_182972.3 (MANE Select); coding-DNA position 442, C replaced by T.
Protein change: p.Pro148Ser; replaces proline 148 with serine.
Molecular consequence: missense variant.
Genome position (GRCh38, 1-based): chr1:234,609,053, G>A on the plus strand (C>T on the coding strand, the complement: IRF2BP2 is on the minus strand). VCF-style: chr1-234609053-G-A. GRCh37 (hg19) VCF-style: chr1-234744799-G-A.
Other names: c.442C>T, p.Pro148Ser (NM_001077397.1); short protein forms P148S.
Identifiers: ClinVar variation 1507901 (VCV001507901.8), dbSNP rs1672264336, ClinGen allele CA345310384.